The following is an entry in ClinVar:

NM_000460.4(THPO):c.-136T>C

Gene: THPO (thrombopoietin; minus strand). Cytogenetic location: 3q27.1.
Variant type: single nucleotide variant.
Coding change: c.-136T>C on transcript NM_000460.4 (MANE Select); 136 bases upstream of the start codon, T replaced by C.
Molecular consequence: 5 prime UTR variant. On other transcripts: synonymous variant (1).
Genome position (GRCh38, 1-based): chr3:184,376,395, A>G on the plus strand (T>C on the coding strand, the complement: THPO is on the minus strand). VCF-style: chr3-184376395-A-G. GRCh37 (hg19) VCF-style: chr3-184094183-A-G.
Other names: c.-136T>C (NM_001177597.2, NM_001177598.2, NM_001289997.1 and 6 more transcripts); c.285T>C, p.Ser95= (NM_001290003.1).
Identifiers: ClinVar variation 344376 (VCV000344376.7), dbSNP rs956732, ClinGen allele CA10615908.

ClinVar aggregate classification (germline): Benign/Likely benign. Review status: criteria provided, multiple submitters, no conflicts (2 of 4 stars). 3 submissions from 3 submitters: Benign (2); Likely benign (1). Last evaluated 2024-11-26.

Conditions:
Thrombocythemia 1 (THCYT1). Also called: THROMBOCYTOSIS 1; THROMBOCYTHEMIA, SOMATIC. Identifiers: MedGen C3277671, MONDO:0008554, OMIM 187950.

Allele frequency attached by ClinVar (database versions not stated): 1000 Genomes Project 0.50679; 1000 Genomes Project 30x 0.51780; gnomAD exomes 0.51887; gnomAD 0.53909 and 0.54428; TOPMed 0.56304.
gnomAD v4.1: 831,621 of 1,595,562 alleles (52%); highest among the groups gnomAD compares: Middle Eastern, 63%; 219,309 homozygotes.

Submissions (3):

Blueprint Genetics
Classification: Likely benign. Last evaluated: 2024-11-26. Review status: criteria provided, single submitter. Criteria: ACMG Guidelines, 2015. Collection method: clinical testing. Allele origin: germline.

Illumina Laboratory Services, Illumina
Classification: Benign for Thrombocythemia 1. Last evaluated: 2018-01-13. Review status: criteria provided, single submitter. Criteria: ICSL Variant Classification Criteria 13 December 2019. Collection method: clinical testing. Allele origin: germline.
Comment: This variant was observed in the ICSL laboratory as part of a predisposition screen in an ostensibly healthy population. It had not been previously curated by ICSL or reported in the Human Gene Mutation Database (HGMD: prior to June 1st, 2018), and was therefore a candidate for classification through an automated scoring system. Utilizing variant allele frequency, disease prevalence and penetrance estimates, and inheritance mode, an automated score was calculated to assess if this variant is too frequent to cause the disease. Based on the score and internal cut-off values, a variant classified as benign is not then subjected to further curation. The score for this variant resulted in a classification of benign for this disease.

Breakthrough Genomics
Classification: Benign. Review status: criteria provided, single submitter. Criteria: ACMG Guidelines, 2015. Collection method: not provided. Allele origin: germline. Inheritance: Autosomal dominant inheritance. Affected: yes.